The following is an entry in ClinVar:

ClinVar aggregate classification (germline): Conflicting classifications of pathogenicity. Review status: criteria provided, conflicting classifications (1 of 4 stars). 7 submissions from 7 submitters: Uncertain significance (1); Benign (2); Likely benign (4). Last evaluated 2026-04-10.

Conditions:
ZNF469-related disorder. Also called: ZNF469-related condition.
Cardiovascular phenotype. Identifiers: MedGen CN230736.
Brittle cornea syndrome 1 (BCS1). Also called: FRAGILITAS OCULI WITH JOINT HYPEREXTENSIBILITY; DYSGENESIS MESODERMALIS CORNEAE ET SCLERAE; CORNEAL FRAGILITY, KERATOGLOBUS, BLUE SCLERAE, JOINT HYPEREXTENSIBILITY; EDS6B; Corneal fragility keratoglobus, blue sclerae AND joint hypermobility. Identifiers: Orphanet 90354, MedGen C0268344, MONDO:0024543, OMIM 229200.

Allele frequency attached by ClinVar (database versions not stated): TOPMed 0.00019; 1000 Genomes Project 30x 0.00078; 1000 Genomes Project 0.00100.
gnomAD v4.1: 192 of 1,546,102 alleles (0.012%); highest among the groups gnomAD compares: East Asian, 0.33%; 1 homozygote.

Submissions (7):

PreventionGenetics, part of Exact Sciences
Classification: Likely benign for ZNF469-related condition. Last evaluated: 2026-04-10. Review status: criteria provided, single submitter. Criteria: ACMG Guidelines, 2015. Collection method: clinical testing. Allele origin: germline.
Comment: This variant is classified as likely benign based on ACMG/AMP sequence variant interpretation guidelines (Richards et al. 2015 PMID: 25741868, with internal and published modifications).

Labcorp Genetics (formerly Invitae), Labcorp
Classification: Likely benign. Last evaluated: 2025-12-31. Review status: criteria provided, single submitter. Criteria: Invitae Variant Classification Sherloc (09022015). Collection method: clinical testing. Allele origin: germline.

Women's Health and Genetics/Laboratory Corporation of America, LabCorp
Classification: Likely benign. Last evaluated: 2025-10-21. Review status: criteria provided, single submitter. Criteria: LabCorp Variant Classification Summary - May 2015. Collection method: clinical testing. Allele origin: germline.
Comment: Variant summary: ZNF469 c.10328G>A (p.Gly3443Glu) results in a non-conservative amino acid change in the encoded protein sequence. Algorithms developed to predict the effect of missense changes on protein structure and function are either unavailable or do not agree on the potential impact of this missense change. The variant allele was found at a frequency of 0.00028 in 144428 control chromosomes, predominantly at a frequency of 0.0033 within the East Asian subpopulation in the gnomAD database. The observed variant frequency within East Asian control individuals in the gnomAD database exceeds the estimated maximal expected allele frequency for disease-causing variants in ZNF469. To our knowledge, no occurrence of c.10328G>A in individuals affected with ZNF469-related conditions and no experimental evidence demonstrating its impact on protein function have been reported. ClinVar contains an entry for this variant (Variation ID: 452442). Based on the evidence outlined above, the variant was classified as likely benign.

Mayo Clinic Laboratories, Mayo Clinic
Classification: Benign. Last evaluated: 2023-11-22. Review status: criteria provided, single submitter. Criteria: ACMG Guidelines, 2015. Collection method: clinical testing. Allele origin: germline. Observed: 2 variant alleles.
Comment: BS1, BP4_strong

Ambry Genetics
Classification: Benign for Cardiovascular phenotype. Last evaluated: 2023-08-22. Review status: criteria provided, single submitter. Criteria: Ambry Variant Classification Scheme 2023. Collection method: clinical testing. Allele origin: germline.

GeneDx
Classification: Likely benign. Last evaluated: 2020-11-11. Review status: criteria provided, single submitter. Criteria: GeneDx Variant Classification Process June 2021. Collection method: clinical testing. Allele origin: germline. Affected: yes.

Department of Pathology and Laboratory Medicine, Sinai Health System
Classification: Uncertain significance for Brittle cornea syndrome 1. Last evaluated: 2020-06-24. Review status: criteria provided, single submitter. Criteria: ACMG Guidelines, 2015. Collection method: research. Allele origin: germline.

NM_001367624.2(ZNF469):c.10328G>A (p.Gly3443Glu)

Gene: ZNF469 (zinc finger protein 469; plus strand). Cytogenetic location: 16q24.2.
Variant type: single nucleotide variant.
Coding change: c.10328G>A on transcript NM_001367624.2 (MANE Select); coding-DNA position 10328, G replaced by A.
Protein change: p.Gly3443Glu; replaces glycine 3443 with glutamic acid.
Molecular consequence: missense variant.
Genome position (GRCh38, 1-based): chr16:88,437,798, G>A. VCF-style: chr16-88437798-G-A. GRCh37 (hg19) VCF-style: chr16-88504206-G-A.
Other names: NM_001127464.1:c.10244G>A; p.Gly3443Glu; NM_001127464.2:c.10244G>A; short protein forms G3443E.
Identifiers: ClinVar variation 452442 (VCV000452442.14), dbSNP rs140056980, ClinGen allele CA8225498.